The following is an entry in ClinVar:

ClinVar aggregate classification (germline): Uncertain significance. Review status: criteria provided, multiple submitters, no conflicts (2 of 4 stars). 2 submissions from 2 submitters: Uncertain significance (2). Last evaluated 2025-03-19.

Conditions:
Hereditary cancer-predisposing syndrome. Also called: Hereditary Cancer Syndrome; Hereditary neoplastic syndrome; Neoplastic Syndromes, Hereditary; Tumor predisposition. Identifiers: Orphanet 140162, MedGen C0027672, MeSH D009386, MONDO:0015356.
Familial adenomatous polyposis 1 (FAP1). Also called: FAMILIAL ADENOMATOUS POLYPOSIS 1, ATTENUATED; POLYPOSIS, ADENOMATOUS INTESTINAL. Identifiers: MedGen C2713442, MONDO:0021056, OMIM 175100. Disease mechanism: loss of function.

Submissions (2):

Ambry Genetics
Classification: Uncertain significance for Hereditary cancer-predisposing syndrome. Last evaluated: 2025-03-19. Review status: criteria provided, single submitter. Criteria: Ambry Variant Classification Scheme 2023. Collection method: clinical testing. Allele origin: germline.
Comment: The p.H444Y variant (also known as c.1330C>T), located in coding exon 10 of the APC gene, results from a C to T substitution at nucleotide position 1330. The histidine at codon 444 is replaced by tyrosine, an amino acid with similar properties. This amino acid position is highly conserved in available vertebrate species. In addition, in silico predictors for this gene do not accurately predict pathogenicity. Missense alterations in APC are not a common cause of disease (Spier I et al. Genet Med. 2024 Feb;26(2):100992). Based on the available evidence, the clinical significance of this variant remains unclear.

Labcorp Genetics (formerly Invitae), Labcorp
Classification: Uncertain significance for Familial adenomatous polyposis 1. Last evaluated: 2025-02-05. Review status: criteria provided, single submitter. Criteria: Invitae Variant Classification Sherloc (09022015). Collection method: clinical testing. Allele origin: germline.
Comment: This sequence change replaces histidine, which is basic and polar, with tyrosine, which is neutral and polar, at codon 444 of the APC protein (p.His444Tyr). This variant is not present in population databases (gnomAD no frequency). This variant has not been reported in the literature in individuals affected with APC-related conditions. ClinVar contains an entry for this variant (Variation ID: 1770136). Invitae Evidence Modeling of protein sequence and biophysical properties (such as structural, functional, and spatial information, amino acid conservation, physicochemical variation, residue mobility, and thermodynamic stability) indicates that this missense variant is not expected to disrupt APC protein function with a negative predictive value of 95%. In summary, the available evidence is currently insufficient to determine the role of this variant in disease. Therefore, it has been classified as a Variant of Uncertain Significance.

NM_000038.6(APC):c.1330C>T (p.His444Tyr)

Gene: APC (APC regulator of Wnt signaling pathway; plus strand). Cytogenetic location: 5q22.2.
Variant type: single nucleotide variant.
Coding change: c.1330C>T on transcript NM_000038.6 (MANE Select); coding-DNA position 1330, C replaced by T.
Protein change: p.His444Tyr; replaces histidine 444 with tyrosine.
Molecular consequence: missense variant.
Genome position (GRCh38, 1-based): chr5:112,821,913, C>T. VCF-style: chr5-112821913-C-T. GRCh37 (hg19) VCF-style: chr5-112157610-C-T.
Other names: c.1330C>T, p.His444Tyr (NM_001127510.3, NM_001354895.2, NM_001354896.2 and 4 more transcripts); c.1276C>T, p.His426Tyr (NM_001127511.3); c.1360C>T, p.His454Tyr (NM_001354897.2, NM_001407446.1); c.1255C>T, p.His419Tyr (NM_001354898.2, NM_001407451.1); c.1246C>T, p.His416Tyr (NM_001354899.2, NM_001407452.1); c.1153C>T, p.His385Tyr (NM_001354900.2, NM_001354901.2, NM_001407453.1); c.1057C>T, p.His353Tyr (NM_001354902.2); c.1027C>T, p.His343Tyr (NM_001354903.2, NM_001407454.1, NM_001407455.1 and 5 more transcripts); and 5 more; short protein forms H419Y, H454Y, H60Y, H284Y, H385Y, H318Y, H416Y, H426Y.
Identifiers: ClinVar variation 1770136 (VCV001770136.4), dbSNP rs2149791958, ClinGen allele CA16024219.